The following is an entry in ClinVar:

ClinVar aggregate classification (germline): Benign (0 of 4 stars; one submission).

Conditions:
PADI3-related disorder. Also called: PADI3-related condition.

Allele frequency attached by ClinVar (database versions not stated): TOPMed 0.01491; 1000 Genomes Project 0.01597; ExAC 0.00388; gnomAD 0.01264; ESP Exome Variant Server 0.01453; 1000 Genomes Project 30x 0.01468.
gnomAD v4.1: 3,769 of 1,613,638 alleles (0.23%); highest among the groups gnomAD compares: African/African-American, 4.4%; 96 homozygotes.

Submission:

PreventionGenetics, part of Exact Sciences
Classification: Benign for PADI3-related condition. Last evaluated: 2019-06-10. Review status: no assertion criteria provided. Collection method: clinical testing. Allele origin: germline.
Comment: This variant is classified as benign based on ACMG/AMP sequence variant interpretation guidelines (Richards et al. 2015 PMID: 25741868, with internal and published modifications).

NM_016233.2(PADI3):c.1453-5C>T

Gene: PADI3 (peptidyl arginine deiminase 3; plus strand). Cytogenetic location: 1p36.13.
Variant type: single nucleotide variant.
Coding change: c.1453-5C>T on transcript NM_016233.2 (MANE Select); 5 bases into the intron before coding-DNA position 1453, C replaced by T.
Molecular consequence: intron variant.
Genome position (GRCh38, 1-based): chr1:17,276,769, C>T. VCF-style: chr1-17276769-C-T. GRCh37 (hg19) VCF-style: chr1-17603264-C-T.
Identifiers: ClinVar variation 3043667 (VCV003043667.2), dbSNP rs11586393, ClinGen allele CA640113.